The following is an entry in ClinVar:

ClinVar aggregate classification (germline): Uncertain significance (1 of 4 stars; one submission).

Submission:

GeneDx
Classification: Uncertain significance. Last evaluated: 2025-08-14. Review status: criteria provided, single submitter. Criteria: GeneDx Variant Classification Process June 2021. Collection method: clinical testing. Allele origin: germline. Affected: yes.
Comment: Not observed at significant frequency in large population cohorts (gnomAD); In silico analysis supports that this missense variant has a deleterious effect on protein structure/function; Has not been previously published as pathogenic or benign to our knowledge

NM_017934.7(PHIP):c.3287C>G (p.Pro1096Arg)

Genes: IRAK1BP1 (interleukin 1 receptor associated kinase 1 binding protein 1; plus strand), PHIP (PHIP subunit of CUL4-Ring ligase complex; minus strand). Cytogenetic location: 6q14.1.
Variant type: single nucleotide variant.
Coding change: c.3287C>G on transcript NM_017934.7 (MANE Select); coding-DNA position 3287, C replaced by G.
Protein change: p.Pro1096Arg; replaces proline 1096 with arginine.
Molecular consequence: missense variant.
Genome position (GRCh38, 1-based): chr6:78,965,975, G>C on the plus strand (C>G on the coding strand, the complement: PHIP is on the minus strand). VCF-style: chr6-78965975-G-C. GRCh37 (hg19) VCF-style: chr6-79675692-G-C.
Other names: short protein forms P1096R.
Identifiers: ClinVar variation 4795329 (VCV004795329.1).